The following is an entry in ClinVar:

NM_012431.3(SEMA3E):c.1459-12_1459-11del

Gene: SEMA3E (semaphorin 3E; minus strand). Cytogenetic location: 7q21.11.
Variant type: Deletion.
Coding change: c.1459-12_1459-11del on transcript NM_012431.3 (MANE Select); 12 bases into the intron before coding-DNA position 1459 through 11 bases into the intron before coding-DNA position 1459, 2 bases deleted (TT; older notation c.1459-12_1459-11delTT).
Molecular consequence: intron variant.
Genome position (GRCh38, 1-based): chr7:83,394,349-83,394,350, AA deleted on the plus strand (TT on the coding strand, the reverse complement: SEMA3E is on the minus strand); deleting any 2 consecutive bases within chr7:83,394,349-83,394,354 gives the same sequence; the c. name uses the placement nearest the transcript's 3' end. VCF-style (leftmost placement, unchanged base first): chr7-83394348-TAA-T. GRCh37 (hg19) VCF-style: chr7-83023664-TAA-T.
Other names: c.1279-12_1279-11del (NM_001178129.2).
Identifiers: ClinVar variation 1317023 (VCV001317023.5), dbSNP rs1788078377, ClinGen allele CA1721663382.

ClinVar aggregate classification (germline): Conflicting classifications of pathogenicity. Review status: criteria provided, conflicting classifications (1 of 4 stars). 2 submissions from 2 submitters: Uncertain significance (1); Likely benign (1). Last evaluated 2023-08-01.

Conditions:
CHARGE syndrome (CHARGE). Also called: Hittner Hirsch Kreh syndrome; CHARGE ASSOCIATION--COLOBOMA, HEART ANOMALY, CHOANAL ATRESIA, RETARDATION, GENITAL AND EAR ANOMALIES; Coloboma, heart anomaly, choanal atresia, retardation, genital and ear anomalies; CHARGE association; Hall-Hittner syndrome. Identifiers: Orphanet 138, MedGen C0265354, MONDO:0008965.

Submissions (2):

Labcorp Genetics (formerly Invitae), Labcorp
Classification: Likely benign for CHARGE syndrome. Last evaluated: 2023-08-01. Review status: criteria provided, single submitter. Criteria: Invitae Variant Classification Sherloc (09022015). Collection method: clinical testing. Allele origin: germline.

GeneDx
Classification: Uncertain significance. Last evaluated: 2021-06-22. Review status: criteria provided, single submitter. Criteria: GeneDx Variant Classification Process June 2021. Collection method: clinical testing. Allele origin: germline. Affected: yes.
Comment: Not observed in large population cohorts (Lek et al., 2016); Has not been previously published as pathogenic or benign to our knowledge; In-silico analysis, which includes splice predictors and evolutionary conservation, is inconclusive as to whether the variant alters gene splicing. In the absence of RNA/functional studies, the actual effect of this sequence change is unknown.